The following is an entry in ClinVar:

NM_014391.3(ANKRD1):c.768G>T (p.Leu256Phe)

Gene: ANKRD1 (ankyrin repeat domain 1; minus strand). Cytogenetic location: 10q23.31.
Variant type: single nucleotide variant.
Coding change: c.768G>T on transcript NM_014391.3 (MANE Select); coding-DNA position 768, G replaced by T.
Protein change: p.Leu256Phe; replaces leucine 256 with phenylalanine.
Molecular consequence: missense variant.
Genome position (GRCh38, 1-based): chr10:90,915,624, C>A on the plus strand (G>T on the coding strand, the complement: ANKRD1 is on the minus strand). VCF-style: chr10-90915624-C-A. GRCh37 (hg19) VCF-style: chr10-92675381-C-A.
Other names: short protein forms L256F.
Identifiers: ClinVar variation 1418198 (VCV001418198.8), dbSNP rs2120264711, ClinGen allele CA377549808.
Genomic context (GRCh38, chr10:90,915,624, plus strand): 5'-CGCGCCATACATAATCAGGAGTCGGATCATCTTATAGCGGTTCAGTCTCACCGCATCATG[C>A]AACGGGGTATCTCCTTCCTAGAGAAGCAGAGTCAACAGGTTCAAGGTGGGTCTGAGGCCA-3'
Protein context (NP_055206.2, residues 246-266): NAKDREGDTP[Leu256Phe]HDAVRLNRYK

ClinVar aggregate classification (germline): Uncertain significance (1 of 4 stars; one submission).

Conditions:
ANKRD1-related dilated cardiomyopathy. Identifiers: MedGen CN119551.

Submission:

Labcorp Genetics (formerly Invitae), Labcorp
Classification: Uncertain significance for ANKRD1-related dilated cardiomyopathy. Last evaluated: 2021-01-15. Review status: criteria provided, single submitter. Criteria: Invitae Variant Classification Sherloc (09022015). Collection method: clinical testing. Allele origin: germline.
Comment: Algorithms developed to predict the effect of missense changes on protein structure and function are either unavailable or do not agree on the potential impact of this missense change (SIFT: "Deleterious"; PolyPhen-2: "Possibly Damaging"; Align-GVGD: "Class C0"). In summary, the available evidence is currently insufficient to determine the role of this variant in disease. Therefore, it has been classified as a Variant of Uncertain Significance. This variant has not been reported in the literature in individuals with ANKRD1-related conditions. This sequence change replaces leucine with phenylalanine at codon 256 of the ANKRD1 protein (p.Leu256Phe). The leucine residue is moderately conserved and there is a small physicochemical difference between leucine and phenylalanine. This variant is not present in population databases (ExAC no frequency).